The following is an entry in ClinVar:

NM_001134831.2(AHI1):c.3109+6792C>T

Gene: AHI1 (Abelson helper integration site 1; minus strand). Cytogenetic location: 6q23.3.
Variant type: single nucleotide variant.
Coding change: c.3109+6792C>T on transcript NM_001134831.2 (MANE Select); 6792 bases into the intron after coding-DNA position 3109, C replaced by T.
Molecular consequence: intron variant. On other transcripts: synonymous variant (1).
Genome position (GRCh38, 1-based): chr6:135,387,984, G>A on the plus strand (C>T on the coding strand, the complement: AHI1 is on the minus strand). VCF-style: chr6-135387984-G-A. GRCh37 (hg19) VCF-style: chr6-135709122-G-A.
Other names: c.3159C>T, p.His1053= (NM_001134832.2); c.3109+6792C>T (NM_001134830.2, NM_001350503.2, NM_017651.5 and 1 more transcripts).
Identifiers: ClinVar variation 4990402 (VCV004990402.1).

ClinVar aggregate classification (germline): Likely benign (1 of 4 stars; one submission).

Conditions:
AHI1-related disorder. Also called: AHI1-related condition.

gnomAD v4.1: 6 of 1,613,636 alleles (0.00037%); highest among the groups gnomAD compares: Non-Finnish European, 0.00051%; no homozygotes.

Submission:

PreventionGenetics, part of Exact Sciences
Classification: Likely benign for AHI1-related condition. Last evaluated: 2026-02-07. Review status: criteria provided, single submitter. Criteria: ACMG Guidelines, 2015. Collection method: clinical testing. Allele origin: germline.
Comment: This variant is classified as likely benign based on ACMG/AMP sequence variant interpretation guidelines (Richards et al. 2015 PMID: 25741868, with internal and published modifications).